The following is an entry in ClinVar:

NM_001040108.2(MLH3):c.1763G>A (p.Ser588Asn)

Gene: MLH3 (mutL homolog 3; minus strand). Cytogenetic location: 14q24.3.
Variant type: single nucleotide variant.
Coding change: c.1763G>A on transcript NM_001040108.2 (MANE Select); coding-DNA position 1763, G replaced by A.
Protein change: p.Ser588Asn; replaces serine 588 with asparagine.
Molecular consequence: missense variant.
Genome position (GRCh38, 1-based): chr14:75,047,893, C>T on the plus strand (G>A on the coding strand, the complement: MLH3 is on the minus strand). VCF-style: chr14-75047893-C-T. GRCh37 (hg19) VCF-style: chr14-75514596-C-T.
Other names: c.1763G>A, p.Ser588Asn (NM_014381.3); short protein forms S588N.
Identifiers: ClinVar variation 3295163 (VCV003295163.1).

ClinVar aggregate classification (germline): Uncertain significance (1 of 4 stars; one submission).

gnomAD v4.1: 1 of 1,613,352 alleles (0.000062%); no homozygotes.

Submission:

Ambry Genetics
Classification: Uncertain significance. Last evaluated: 2024-06-12. Review status: criteria provided, single submitter. Criteria: Ambry Variant Classification Scheme 2023. Collection method: clinical testing. Allele origin: germline.
Comment: The p.S588N variant (also known as c.1763G>A), located in coding exon 1 of the MLH3 gene, results from a G to A substitution at nucleotide position 1763. The serine at codon 588 is replaced by asparagine, an amino acid with highly similar properties. This amino acid position is conserved. In addition, this alteration is predicted to be tolerated by in silico analysis. Based on the available evidence, the clinical significance of this variant remains unclear.